The following is an entry in ClinVar:

ClinVar aggregate classification (germline): Uncertain significance (1 of 4 stars; one submission).

Submission:

Labcorp Genetics (formerly Invitae), Labcorp
Classification: Uncertain significance. Last evaluated: 2022-07-11. Review status: criteria provided, single submitter. Criteria: Invitae Variant Classification Sherloc (09022015). Collection method: clinical testing. Allele origin: germline.
Comment: In summary, the available evidence is currently insufficient to determine the role of this variant in disease. Therefore, it has been classified as a Variant of Uncertain Significance. Variants that disrupt the consensus splice site are a relatively common cause of aberrant splicing (PMID: 17576681, 9536098). Algorithms developed to predict the effect of sequence changes on RNA splicing suggest that this variant is not likely to affect RNA splicing. This variant has not been reported in the literature in individuals affected with CAMTA1-related conditions. This variant is not present in population databases (gnomAD no frequency). This sequence change falls in intron 1 of the CAMTA1 gene. It does not directly change the encoded amino acid sequence of the CAMTA1 protein. It affects a nucleotide within the consensus splice site.

Literature cited by the submitters: PubMed 17576681; PubMed 9536098.

NM_015215.4(CAMTA1):c.45+5G>C

Gene: CAMTA1 (calmodulin binding transcription activator 1; plus strand). Cytogenetic location: 1p36.31.
Variant type: single nucleotide variant.
Coding change: c.45+5G>C on transcript NM_015215.4 (MANE Select); 5 bases into the intron after coding-DNA position 45, G replaced by C.
Molecular consequence: intron variant.
Genome position (GRCh38, 1-based): chr1:6,785,580, G>C. VCF-style: chr1-6785580-G-C. GRCh37 (hg19) VCF-style: chr1-6845640-G-C.
Other names: c.45+5G>C (NM_001349609.2, NM_001349610.2, NM_001242701.2 and 2 more transcripts); c.25+5G>C (NM_001349608.2, NM_001349612.2).
Identifiers: ClinVar variation 2016089 (VCV002016089.4), dbSNP rs1462811868, ClinGen allele CA2580062544.